The following is an entry in ClinVar:

ClinVar aggregate classification (germline): Benign/Likely benign. Review status: criteria provided, multiple submitters, no conflicts (2 of 4 stars). 9 submissions from 9 submitters: Benign (6); Likely benign (1). 2 of the submissions do not count toward it. Last evaluated 2026-08-01.

Conditions:
Nephronophthisis. Also called: Juvenile Nephronophthisis. Identifiers: Orphanet 655, MedGen C0687120, MONDO:0019005, HP:0000090.
Senior-Loken syndrome 5 (SLSN5). Identifiers: Orphanet 3156, MedGen C1836517, MONDO:0012225, OMIM 609254.

Allele frequency attached by ClinVar (database versions not stated): 1000 Genomes Project 30x 0.00359; 1000 Genomes Project 0.00399; TOPMed 0.00609; ESP Exome Variant Server 0.01076; gnomAD 0.01114 and 0.01165; gnomAD exomes 0.01212 and 0.01393; ExAC 0.01562.
gnomAD v4.1: 19,245 of 1,613,480 alleles (1.2%); highest among the groups gnomAD compares: Non-Finnish European, 1.2%; 264 homozygotes.

Submissions (9):

CeGaT Center for Human Genetics Tuebingen
Classification: Benign. Last evaluated: 2026-08-01. Review status: criteria provided, single submitter. Criteria: CeGaT Center For Human Genetics Tuebingen Variant Classification Criteria Version 2. Collection method: clinical testing. Allele origin: germline. Affected: yes. Observed: 2 variant alleles.
Comment: IQCB1: BP4, BS1, BS2

Labcorp Genetics (formerly Invitae), Labcorp
Classification: Benign for Nephronophthisis. Last evaluated: 2026-02-01. Review status: criteria provided, single submitter. Criteria: Invitae Variant Classification Sherloc (09022015). Collection method: clinical testing. Allele origin: germline.

Blueprint Genetics
Classification: Likely benign. Last evaluated: 2024-11-26. Review status: criteria provided, single submitter. Criteria: ACMG Guidelines, 2015. Collection method: clinical testing. Allele origin: germline.

Mayo Clinic Laboratories, Mayo Clinic
Classification: Benign. Last evaluated: 2024-05-19. Review status: criteria provided, single submitter. Criteria: ACMG Guidelines, 2015. Collection method: clinical testing. Allele origin: germline. Observed: 2 variant alleles.

GeneDx
Classification: Benign. Last evaluated: 2020-08-31. Review status: criteria provided, single submitter. Criteria: GeneDx Variant Classification Process June 2021. Collection method: clinical testing. Allele origin: germline. Affected: yes.

Illumina Laboratory Services, Illumina
Classification: Benign for Senior-Loken syndrome 5. Last evaluated: 2018-01-12. Review status: criteria provided, single submitter. Criteria: ICSL Variant Classification Criteria 13 December 2019. Collection method: clinical testing. Allele origin: germline.
Comment: This variant was observed in the ICSL laboratory as part of a predisposition screen in an ostensibly healthy population. It had not been previously curated by ICSL or reported in the Human Gene Mutation Database (HGMD: prior to June 1st, 2018), and was therefore a candidate for classification through an automated scoring system. Utilizing variant allele frequency, disease prevalence and penetrance estimates, and inheritance mode, an automated score was calculated to assess if this variant is too frequent to cause the disease. Based on the score and internal cut-off values, a variant classified as benign is not then subjected to further curation. The score for this variant resulted in a classification of benign for this disease.

Breakthrough Genomics
Classification: Benign. Review status: criteria provided, single submitter. Criteria: ACMG Guidelines, 2015. Collection method: not provided. Allele origin: germline. Inheritance: Autosomal recessive inheritance. Affected: yes.

Clinical Genetics DNA and cytogenetics Diagnostics Lab, Erasmus MC, Erasmus Medical Center
Classification: Benign. Review status: no assertion criteria provided. Collection method: clinical testing. Allele origin: germline. Affected: yes. Study: VKGL Data-share Consensus. Not counted in ClinVar's aggregate classification.

Genome Diagnostics Laboratory, University Medical Center Utrecht
Classification: Benign. Review status: no assertion criteria provided. Collection method: clinical testing. Allele origin: germline. Affected: yes. Study: VKGL Data-share Consensus. Not counted in ClinVar's aggregate classification.

NM_001023570.4(IQCB1):c.1303C>T (p.Arg435Cys)

Gene: IQCB1 (IQ motif containing B1; minus strand). Cytogenetic location: 3q13.33.
Variant type: single nucleotide variant.
Coding change: c.1303C>T on transcript NM_001023570.4 (MANE Select); coding-DNA position 1303, C replaced by T.
Protein change: p.Arg435Cys; replaces arginine 435 with cysteine.
Molecular consequence: missense variant. On other transcripts: non-coding transcript variant (1).
Genome position (GRCh38, 1-based): chr3:121,781,850, G>A on the plus strand (C>T on the coding strand, the complement: IQCB1 is on the minus strand). VCF-style: chr3-121781850-G-A. GRCh37 (hg19) VCF-style: chr3-121500697-G-A.
Other names: c.904C>T, p.Arg302Cys (NM_001023571.4); c.1303C>T, p.Arg435Cys (NM_001319107.2); short protein forms R435C, R302C.
Identifiers: ClinVar variation 219524 (VCV000219524.28), dbSNP rs11920543, ClinGen allele CA348260.